The following is an entry in ClinVar:

NM_000018.4(ACADVL):c.739A>C (p.Lys247Gln)

Gene: ACADVL (acyl-CoA dehydrogenase very long chain; plus strand). Cytogenetic location: 17p13.1.
Variant type: single nucleotide variant.
Coding change: c.739A>C on transcript NM_000018.4 (MANE Select); coding-DNA position 739, A replaced by C.
Protein change: p.Lys247Gln; replaces lysine 247 with glutamine.
Molecular consequence: missense variant.
Genome position (GRCh38, 1-based): chr17:7,222,068, A>C. VCF-style: chr17-7222068-A-C. GRCh37 (hg19) VCF-style: chr17-7125387-A-C.
Other names: c.673A>C, p.Lys225Gln (NM_001033859.3); c.808A>C, p.Lys270Gln (NM_001270447.2); c.511A>C, p.Lys171Gln (NM_001270448.2); short protein forms K247Q, K171Q, K225Q, K270Q.
Identifiers: ClinVar variation 446182 (VCV000446182.3), dbSNP rs387906253, ClinGen allele CA352217.

ClinVar aggregate classification (germline): Uncertain significance (1 of 4 stars; one submission).

Conditions:
Very long chain acyl-CoA dehydrogenase deficiency (ACADVLD). Also called: VLCAD Deficiency; Very Long-Chain Acyl-Coenzyme A Dehydrogenase Deficiency. Identifiers: Orphanet 26793, MedGen C3887523, MONDO:0008723, OMIM 201475.

Submission:

NxGen MDx
Classification: Uncertain significance for Very long chain acyl-CoA dehydrogenase deficiency. Last evaluated: 2019-11-04. Review status: criteria provided, single submitter. Criteria: ACMG Guidelines, 2015. Collection method: clinical testing. Allele origin: germline. Inheritance: Autosomal recessive inheritance.
Comment: This is a nonconservative change that is predicted to be damaging (PP3) and has been reported in the literature only as part of a pathogenic compound allele (with c.194C>T). This variant is not present in GnomAD Exomes (PM2). Other changes at this position, p.Lys247Glu and p.Lys247Thr, have been classifed by Uniprot as disease-associated; however, p.Lys247Glu is reported as a VUS in ClinVar.